The following is an entry in ClinVar:

ClinVar aggregate classification (germline): Uncertain significance (1 of 4 stars; one submission).

gnomAD v4.1: 13 of 1,554,404 alleles (0.00084%); highest among the groups gnomAD compares: Non-Finnish European, 0.0011%; no homozygotes.

Submission:

Labcorp Genetics (formerly Invitae), Labcorp
Classification: Uncertain significance. Last evaluated: 2024-10-30. Review status: criteria provided, single submitter. Criteria: Invitae Variant Classification Sherloc (09022015). Collection method: clinical testing. Allele origin: germline.
Comment: This sequence change replaces valine, which is neutral and non-polar, with methionine, which is neutral and non-polar, at codon 196 of the TANGO2 protein (p.Val196Met). This variant is not present in population databases (gnomAD no frequency). This variant has not been reported in the literature in individuals affected with TANGO2-related conditions. ClinVar contains an entry for this variant (Variation ID: 2897089). An algorithm developed to predict the effect of missense changes on protein structure and function (PolyPhen-2) suggests that this variant is likely to be tolerated. In summary, the available evidence is currently insufficient to determine the role of this variant in disease. Therefore, it has been classified as a Variant of Uncertain Significance.

NM_152906.7(TANGO2):c.586G>A (p.Val196Met)

Gene: TANGO2 (transport and golgi organization 2 homolog; plus strand). Cytogenetic location: 22q11.21.
Variant type: single nucleotide variant.
Coding change: c.586G>A on transcript NM_152906.7 (MANE Select); coding-DNA position 586, G replaced by A.
Protein change: p.Val196Met; replaces valine 196 with methionine.
Molecular consequence: missense variant. On other transcripts: non-coding transcript variant (3), intron variant (4).
Genome position (GRCh38, 1-based): chr22:20,061,664, G>A. VCF-style: chr22-20061664-G-A. GRCh37 (hg19) VCF-style: chr22-20049187-G-A.
Other names: c.709G>A, p.Val237Met (NM_001322141.2, NM_001322143.2, NM_001322144.2 and 1 more transcripts); c.586G>A, p.Val196Met (NM_001322142.2, NM_001283106.3, NM_001283116.3 and 2 more transcripts); c.523G>A, p.Val175Met (NM_001322145.2, NM_001322147.2); c.484G>A, p.Val162Met (NM_001322146.2, NM_001322148.2, NM_001322160.2); c.292G>A, p.Val98Met (NM_001322150.2, NM_001322174.2, NM_001322175.2 and 6 more transcripts); c.381-1674G>A (NM_001283199.3); c.575-2878G>A (NM_001283215.3); c.504-1674G>A (NM_001322149.2); and 2 more; short protein forms V237M, V162M, V98M, V134M, V175M, V196M.
Identifiers: ClinVar variation 2897089 (VCV002897089.3), dbSNP rs2519080797, ClinGen allele CA410699519.
Genomic context (GRCh38, chr22:20,061,664, plus strand): 5'-GAGGCTGTGGAACGGAGCCAGGCGCTGCCCAAGGATGTGCTCATCGCCAGCCTCCTGGAT[G>A]TGCTCAACAATGAAGAGGCGTGAGTGGGCGGGTCCTGCTGGGGTGAGCCCCAGTGTCCCG-3'
Protein context (NP_690870.3, residues 186-206): KDVLIASLLD[Val196Met]LNNEEAQLPD